The following is an entry in ClinVar:

ClinVar aggregate classification (germline): Benign. Review status: criteria provided, single submitter (1 of 4 stars). 2 submissions from 2 submitters: Benign (1). 1 of the submissions does not count toward it. Last evaluated 2018-06-15.

Conditions:
RBM22-related disorder. Also called: RBM22-related condition.

Allele frequency attached by ClinVar (database versions not stated): gnomAD exomes 0.00316; ExAC 0.00331; 1000 Genomes Project 30x 0.00484; gnomAD 0.00491 and 0.00513; 1000 Genomes Project 0.00499; ESP Exome Variant Server 0.00584; TOPMed 0.00611.
gnomAD v4.1: 3,937 of 1,599,926 alleles (0.25%); highest among the groups gnomAD compares: Middle Eastern, 2.9%; 26 homozygotes.

Submissions (2):

Labcorp Genetics (formerly Invitae), Labcorp
Classification: Benign. Last evaluated: 2018-06-15. Review status: criteria provided, single submitter. Criteria: Invitae Variant Classification Sherloc (09022015). Collection method: clinical testing. Allele origin: germline.

PreventionGenetics, part of Exact Sciences
Classification: Benign for RBM22-related condition. Last evaluated: 2020-01-20. Review status: no assertion criteria provided. Collection method: clinical testing. Allele origin: germline. Not counted in ClinVar's aggregate classification.
Comment: This variant is classified as benign based on ACMG/AMP sequence variant interpretation guidelines (Richards et al. 2015 PMID: 25741868, with internal and published modifications).

NM_018047.3(RBM22):c.1170C>G (p.Pro390=)

Gene: RBM22 (RNA binding motif protein 22; minus strand). Cytogenetic location: 5q33.1.
Variant type: single nucleotide variant.
Coding change: c.1170C>G on transcript NM_018047.3 (MANE Select); coding-DNA position 1170, C replaced by G.
Protein change: p.Pro390=; no amino-acid change (proline 390 retained).
Molecular consequence: synonymous variant.
Genome position (GRCh38, 1-based): chr5:150,691,844, G>C on the plus strand (C>G on the coding strand, the complement: RBM22 is on the minus strand). VCF-style: chr5-150691844-G-C. GRCh37 (hg19) VCF-style: chr5-150071406-G-C.
Identifiers: ClinVar variation 773937 (VCV000773937.5), dbSNP rs34249089, ClinGen allele CA3513972.